The following is an entry in ClinVar:

ClinVar aggregate classification (germline): Uncertain significance. Review status: criteria provided, multiple submitters, no conflicts (2 of 4 stars). 2 submissions from 2 submitters: Uncertain significance (2). Last evaluated 2025-10-08.

Conditions:
Developmental and epileptic encephalopathy, 14 (DEE14). Also called: Early infantile epileptic encephalopathy 14. Identifiers: Orphanet 293181, MedGen C3554195, MONDO:0013989, OMIM 614959.
Autosomal dominant nocturnal frontal lobe epilepsy 5. Also called: CILIARY DYSKINESIA, PRIMARY, 28, WITH SITUS INVERSUS; Epilepsy, nocturnal frontal lobe, 5; CILIARY DYSKINESIA, PRIMARY, 28, WITHOUT SITUS INVERSUS; KCNT1-Related Epilepsy. Identifiers: Orphanet 98784, MedGen C3554306, MONDO:0014002, OMIM 615005.

Allele frequency attached by ClinVar (database versions not stated): gnomAD exomes below 0.00001.

Submissions (2):

Labcorp Genetics (formerly Invitae), Labcorp
Classification: Uncertain significance for Autosomal dominant nocturnal frontal lobe epilepsy 5; Developmental and epileptic encephalopathy, 14. Last evaluated: 2025-10-08. Review status: criteria provided, single submitter. Criteria: Invitae Variant Classification Sherloc (09022015). Collection method: clinical testing. Allele origin: germline.
Comment: This sequence change replaces methionine, which is neutral and non-polar, with isoleucine, which is neutral and non-polar, at codon 1157 of the KCNT1 protein (p.Met1157Ile). This variant is not present in population databases (gnomAD no frequency). This variant has not been reported in the literature in individuals affected with KCNT1-related conditions. ClinVar contains an entry for this variant (Variation ID: 426804). Invitae Evidence Modeling of protein sequence and biophysical properties (such as structural, functional, and spatial information, amino acid conservation, physicochemical variation, residue mobility, and thermodynamic stability) has been performed for this missense variant. However, the output from this modeling did not meet the statistical confidence thresholds required to predict the impact of this variant on KCNT1 protein function. In summary, the available evidence is currently insufficient to determine the role of this variant in disease. Therefore, it has been classified as a Variant of Uncertain Significance.

GeneDx
Classification: Uncertain significance. Last evaluated: 2017-04-03. Review status: criteria provided, single submitter. Criteria: GeneDx Variant Classification (06012015). Collection method: clinical testing. Allele origin: germline. Affected: yes.
Comment: A variant of uncertain significance has been identified in the KCNT1 gene. The M1157I variant has not been published as a pathogenic variant, nor has it been reported as a benign variant to our knowledge. The M1157I variant is not observed in large population cohorts (Lek et al., 2016; 1000 Genomes Consortium et al., 2015; Exome Variant Server). This substitution occurs at a position that is conserved across species. In silico analysis predicts this variant is probably damaging to the protein structure/function. However, the M1157I variant is a conservative amino acid substitution, which is not likely to impact secondary protein structure as these residues share similar properties. Therefore, based on the currently available information, it is unclear whether this variant is a pathogenic variant or a rare benign variant.

NM_020822.3(KCNT1):c.3471G>A (p.Met1157Ile)

Gene: KCNT1 (potassium sodium-activated channel subfamily T member 1; plus strand). Cytogenetic location: 9q34.3.
Variant type: single nucleotide variant.
Coding change: c.3471G>A on transcript NM_020822.3 (MANE Select); coding-DNA position 3471, G replaced by A.
Protein change: p.Met1157Ile; replaces methionine 1157 with isoleucine.
Molecular consequence: missense variant.
Genome position (GRCh38, 1-based): chr9:135,786,490, G>A. VCF-style: chr9-135786490-G-A. GRCh37 (hg19) VCF-style: chr9-138678336-G-A.
Other names: c.3336G>A, p.Met1112Ile (NM_001272003.2); short protein forms M1157I, M1112I.
Identifiers: ClinVar variation 426804 (VCV000426804.3), dbSNP rs1085307807, ClinGen allele CA375492367.